The following is an entry in ClinVar:

NM_001197293.3(DPYSL2):c.922G>A (p.Asp308Asn)

Gene: DPYSL2 (dihydropyrimidinase like 2; plus strand). Cytogenetic location: 8p21.2.
Variant type: single nucleotide variant.
Coding change: c.922G>A on transcript NM_001197293.3 (MANE Select); coding-DNA position 922, G replaced by A.
Protein change: p.Asp308Asn; replaces aspartic acid 308 with asparagine.
Molecular consequence: missense variant.
Genome position (GRCh38, 1-based): chr8:26,627,281, G>A. VCF-style: chr8-26627281-G-A. GRCh37 (hg19) VCF-style: chr8-26484797-G-A.
Other names: c.499G>A, p.Asp167Asn (NM_001244604.2); c.607G>A, p.Asp203Asn (NM_001386.6); short protein forms D167N, D203N, D308N.
Identifiers: ClinVar variation 2629498 (VCV002629498.3), dbSNP rs762997682, ClinGen allele CA4686477.

ClinVar aggregate classification (germline): Uncertain significance (0 of 4 stars; one submission).

Conditions:
DPYSL2-related disorder. Also called: DPYSL2-related condition.

Allele frequency attached by ClinVar (database versions not stated): gnomAD exomes below 0.00001; ExAC 0.00001.
gnomAD v4.1: 4 of 1,614,188 alleles (0.00025%); highest among the groups gnomAD compares: East Asian, 0.0045%; no homozygotes.

Submission:

PreventionGenetics, part of Exact Sciences
Classification: Uncertain significance for DPYSL2-related condition. Last evaluated: 2024-02-23. Review status: no assertion criteria provided. Collection method: clinical testing. Allele origin: germline.
Comment: The DPYSL2 c.922G>A variant is predicted to result in the amino acid substitution p.Asp308Asn. To our knowledge, this variant has not been reported in the literature. This variant is reported in 0.0054% of alleles in individuals of East Asian descent in gnomAD. At this time, the clinical significance of this variant is uncertain due to the absence of conclusive functional and genetic evidence.